The following is an entry in ClinVar:

NM_032242.4(PLXNA1):c.1114C>T (p.Arg372Cys)

Gene: PLXNA1 (plexin A1; plus strand). Cytogenetic location: 3q21.3.
Variant type: single nucleotide variant.
Coding change: c.1114C>T on transcript NM_032242.4 (MANE Select); coding-DNA position 1114, C replaced by T.
Protein change: p.Arg372Cys; replaces arginine 372 with cysteine.
Molecular consequence: missense variant.
Genome position (GRCh38, 1-based): chr3:126,989,707, C>T. VCF-style: chr3-126989707-C-T. GRCh37 (hg19) VCF-style: chr3-126708550-C-T.
Other names: short protein forms R372C.
Identifiers: ClinVar variation 4988208 (VCV004988208.1).

ClinVar aggregate classification (germline): Uncertain significance (1 of 4 stars; one submission).

Conditions:
PLXNA1-related disorder. Also called: PLXNA1-related condition.

gnomAD v4.1: 7 of 1,613,092 alleles (0.00043%); highest among the groups gnomAD compares: Admixed American, 0.0017%; no homozygotes.

Submission:

PreventionGenetics, part of Exact Sciences
Classification: Uncertain significance for PLXNA1-related condition. Last evaluated: 2024-11-06. Review status: criteria provided, single submitter. Criteria: ACMG Guidelines, 2015. Collection method: clinical testing. Allele origin: germline.
Comment: The PLXNA1 c.1114C>T variant is predicted to result in the amino acid substitution p.Arg372Cys. To our knowledge, this variant has not been reported in the literature. This variant is reported in 0.0029% of alleles in individuals of Latino descent in gnomAD. At this time, the clinical significance of this variant is uncertain due to the absence of conclusive functional and genetic evidence.